The following is an entry in ClinVar:

NM_002576.5(PAK1):c.241T>G (p.Phe81Val)

Gene: PAK1 (p21 (RAC1) activated kinase 1; minus strand). Cytogenetic location: 11q13.5.
Variant type: single nucleotide variant.
Coding change: c.241T>G on transcript NM_002576.5 (MANE Select); coding-DNA position 241, T replaced by G.
Protein change: p.Phe81Val; replaces phenylalanine 81 with valine.
Molecular consequence: missense variant. On other transcripts: 5 prime UTR variant (2), non-coding transcript variant (2), intron variant (2).
Genome position (GRCh38, 1-based): chr11:77,379,944, A>C on the plus strand (T>G on the coding strand, the complement: PAK1 is on the minus strand). VCF-style: chr11-77379944-A-C. GRCh37 (hg19) VCF-style: chr11-77090989-A-C.
Other names: c.241T>G, p.Phe81Val (NM_001128620.2, NM_001376268.1, NM_001376269.1 and 27 more transcripts); c.-54T>G (NM_001376302.1, NM_001376305.1); c.-3-556T>G (NM_001376304.1); c.191-5579T>G (NM_001376301.1); short protein forms F81V.
Identifiers: ClinVar variation 3899441 (VCV003899441.1).

ClinVar aggregate classification (germline): Uncertain significance (1 of 4 stars; one submission).

Submission:

GeneDx
Classification: Uncertain significance. Last evaluated: 2024-11-19. Review status: criteria provided, single submitter. Criteria: GeneDx Variant Classification Process June 2021. Collection method: clinical testing. Allele origin: germline. Affected: yes.
Comment: Not observed at significant frequency in large population cohorts (gnomAD); In silico analysis supports that this missense variant has a deleterious effect on protein structure/function; Has not been previously published as pathogenic or benign to our knowledge